The following is an entry in ClinVar:

ClinVar aggregate classification (germline): Pathogenic (1 of 4 stars; one submission).

Conditions:
Short stature, facial dysmorphism, and skeletal anomalies with or without cardiac anomalies. Identifiers: MedGen CN294045, MONDO:0031439, MONDO:0060649.

Submission:

Rare Disease Group, Clinical Genetics, Karolinska Institutet
Classification: Pathogenic for Short stature, facial dysmorphism, and skeletal anomalies with or without cardiac anomalies. Last evaluated: 2024-11-15. Review status: criteria provided, single submitter. Criteria: ACMG Guidelines, 2015. Collection method: clinical testing. Allele origin: de novo. Inheritance: Autosomal dominant inheritance. Affected: yes. Observed: 1 heterozygote.
Comment: The variant is absent from public databases and mutation spectrum in BMP2 is known to be loss-of-function / haploinsufficiency. In summary, the p.(Val74Profs*8) variant meets our criteria to be classified as pathogenic.

NM_001200.4(BMP2):c.217_218dup (p.Val74fs)

Gene: BMP2 (bone morphogenetic protein 2; plus strand). Cytogenetic location: 20p12.3.
Variant type: Duplication.
Coding change: c.217_218dup on transcript NM_001200.4 (MANE Select); coding-DNA positions 217 to 218, 2 bases duplicated (GC; older notation c.217_218dupGC).
Protein change: p.Val74fs; shifts the reading frame from valine 74.
Molecular consequence: frameshift variant.
Genome position (GRCh38, 1-based): chr20:6,770,343-6,770,344, GC duplicated; duplicating any 2 consecutive bases within chr20:6,770,342-6,770,344 gives the same sequence; the c. name uses the placement nearest the transcript's 3' end. VCF-style (leftmost placement, unchanged base first): chr20-6770341-A-ACG. GRCh37 (hg19) VCF-style: chr20-6750988-A-ACG.
Other names: short protein forms V74fs.
Identifiers: ClinVar variation 3384676 (VCV003384676.2).
Genomic context (GRCh38, chr20:6,770,341, plus strand): 5'-AGTTCGAGTTGCGGCTGCTCAGCATGTTCGGCCTGAAACAGAGACCCACCCCCAGCAGGG[A>ACG]CGCCGTGGTGCCCCCCTACATGCTAGACCTGTATCGCAGGCACTCAGGTCAGCCGGGCTC-3'